The following is an entry in ClinVar:

ClinVar aggregate classification (germline): Uncertain significance. Review status: criteria provided, multiple submitters, no conflicts (2 of 4 stars). 2 submissions from 2 submitters: Uncertain significance (2). Last evaluated 2025-11-02.

Conditions:
Ichthyosis linearis circumflexa. Identifiers: MedGen C0265962, MONDO:0043106, HP:0025810.
Inborn genetic diseases. Identifiers: MedGen C0950123, MeSH D030342.

Allele frequency attached by ClinVar (database versions not stated): gnomAD exomes 0.00003 and 0.00005; ExAC 0.00003; gnomAD 0.00003; TOPMed 0.00004.
gnomAD v4.1: 69 of 1,611,900 alleles (0.0043%); highest among the groups gnomAD compares: Non-Finnish European, 0.0055%; no homozygotes.

Submissions (2):

Ambry Genetics
Classification: Uncertain significance for Inborn genetic diseases. Last evaluated: 2025-11-02. Review status: criteria provided, single submitter. Criteria: Ambry Variant Classification Scheme 2023. Collection method: clinical testing. Allele origin: germline.

Labcorp Genetics (formerly Invitae), Labcorp
Classification: Uncertain significance for Ichthyosis linearis circumflexa. Last evaluated: 2023-12-11. Review status: criteria provided, single submitter. Criteria: Invitae Variant Classification Sherloc (09022015). Collection method: clinical testing. Allele origin: germline.
Comment: This sequence change replaces tyrosine, which is neutral and polar, with cysteine, which is neutral and slightly polar, at codon 114 of the SPINK5 protein (p.Tyr114Cys). This variant is present in population databases (rs764853169, gnomAD 0.006%). This variant has not been reported in the literature in individuals affected with SPINK5-related conditions. ClinVar contains an entry for this variant (Variation ID: 529156). An algorithm developed to predict the effect of missense changes on protein structure and function (PolyPhen-2) suggests that this variant is likely to be disruptive. In summary, the available evidence is currently insufficient to determine the role of this variant in disease. Therefore, it has been classified as a Variant of Uncertain Significance.

NM_006846.4(SPINK5):c.341A>G (p.Tyr114Cys)

Gene: SPINK5 (serine peptidase inhibitor Kazal type 5; plus strand). Cytogenetic location: 5q32.
Variant type: single nucleotide variant.
Coding change: c.341A>G on transcript NM_006846.4 (MANE Select); coding-DNA position 341, A replaced by G.
Protein change: p.Tyr114Cys; replaces tyrosine 114 with cysteine.
Molecular consequence: missense variant.
Genome position (GRCh38, 1-based): chr5:148,086,463, A>G. VCF-style: chr5-148086463-A-G. GRCh37 (hg19) VCF-style: chr5-147466026-A-G.
Other names: c.341A>G, p.Tyr114Cys (NM_001127698.2, NM_001127699.2); short protein forms Y114C.
Identifiers: ClinVar variation 529156 (VCV000529156.10), dbSNP rs764853169, ClinGen allele CA3495183.